The following is an entry in ClinVar:

NM_017636.4(TRPM4):c.2208C>T (p.Val736=)

Gene: TRPM4 (transient receptor potential cation channel subfamily M member 4; plus strand). Cytogenetic location: 19q13.33.
Variant type: single nucleotide variant.
Coding change: c.2208C>T on transcript NM_017636.4 (MANE Select); coding-DNA position 2208, C replaced by T.
Protein change: p.Val736=; no amino-acid change (valine 736 retained).
Molecular consequence: synonymous variant.
Genome position (GRCh38, 1-based): chr19:49,190,771, C>T. VCF-style: chr19-49190771-C-T. GRCh37 (hg19) VCF-style: chr19-49694028-C-T.
Other names: c.2208C>T, p.Val736= (NM_001195227.2); c.1863C>T, p.Val621= (NM_001321281.2); c.600C>T, p.Val200= (NM_001321282.2); c.1686C>T, p.Val562= (NM_001321283.2); c.1146C>T, p.Val382= (NM_001321285.2).
Identifiers: ClinVar variation 508643 (VCV000508643.11), dbSNP rs139307985, ClinGen allele CA9569474.

ClinVar aggregate classification (germline): Likely benign. Review status: criteria provided, multiple submitters, no conflicts (2 of 4 stars). 3 submissions from 3 submitters: Likely benign (3). Last evaluated 2025-12-19.

Conditions:
Cardiovascular phenotype. Identifiers: MedGen CN230736.
Progressive familial heart block type IB (PFHB1B). Identifiers: Orphanet 871, MedGen C1970298, MONDO:0011474, OMIM 604559.

Allele frequency attached by ClinVar (database versions not stated): TOPMed 0.00002; gnomAD 0.00003; ESP Exome Variant Server 0.00008.
gnomAD v4.1: 33 of 1,613,912 alleles (0.002%); highest among the groups gnomAD compares: Admixed American, 0.018%; no homozygotes.

Submissions (3):

Labcorp Genetics (formerly Invitae), Labcorp
Classification: Likely benign for Progressive familial heart block type IB. Last evaluated: 2025-12-19. Review status: criteria provided, single submitter. Criteria: Invitae Variant Classification Sherloc (09022015). Collection method: clinical testing. Allele origin: germline.

Ambry Genetics
Classification: Likely benign for Cardiovascular phenotype. Last evaluated: 2020-03-11. Review status: criteria provided, single submitter. Criteria: Ambry Variant Classification Scheme 2023. Collection method: clinical testing. Allele origin: germline.

GeneDx
Classification: Likely benign. Last evaluated: 2017-04-04. Review status: criteria provided, single submitter. Criteria: GeneDx Variant Classification (06012015). Collection method: clinical testing. Allele origin: germline. Affected: yes.
Comment: This variant is considered likely benign or benign based on one or more of the following criteria: it is a conservative change, it occurs at a poorly conserved position in the protein, it is predicted to be benign by multiple in silico algorithms, and/or has population frequency not consistent with disease.